The following is an entry in ClinVar:

NM_152564.5(VPS13B):c.6507A>C (p.Lys2169Asn)

Gene: VPS13B (vacuolar protein sorting 13 homolog B; plus strand). Cytogenetic location: 8q22.2.
Variant type: single nucleotide variant.
Coding change: c.6507A>C on transcript NM_152564.5 (MANE Select); coding-DNA position 6507, A replaced by C.
Protein change: p.Lys2169Asn; replaces lysine 2169 with asparagine.
Molecular consequence: missense variant.
Genome position (GRCh38, 1-based): chr8:99,717,223, A>C. VCF-style: chr8-99717223-A-C. GRCh37 (hg19) VCF-style: chr8-100729451-A-C.
Other names: c.6582A>C (NM_017890.3); c.6582A>C, p.Lys2194Asn (NM_017890.5); short protein forms K2169N, K2194N.
Identifiers: ClinVar variation 1402718 (VCV001402718.4), dbSNP rs1367000031, ClinGen allele CA371867185.

ClinVar aggregate classification (germline): Uncertain significance. Review status: criteria provided, multiple submitters, no conflicts (2 of 4 stars). 2 submissions from 2 submitters: Uncertain significance (2). Last evaluated 2025-03-07.

Conditions:
Cohen syndrome (COH1). Also called: PEPPER SYNDROME; Cutis verticis gyrata, retinitis pigmentosa, and sensorineural deafness. Identifiers: Orphanet 193, MedGen C0265223, MONDO:0008999, OMIM 216550.
Inborn genetic diseases. Identifiers: MedGen C0950123, MeSH D030342.

Allele frequency attached by ClinVar (database versions not stated): TOPMed below 0.00001; gnomAD exomes 0.00002.
gnomAD v4.1: 22 of 1,614,026 alleles (0.0014%); highest among the groups gnomAD compares: Non-Finnish European, 0.0019%; no homozygotes.

Submissions (2):

Ambry Genetics
Classification: Uncertain significance for Inborn genetic diseases. Last evaluated: 2025-03-07. Review status: criteria provided, single submitter. Criteria: Ambry Variant Classification Scheme 2023. Collection method: clinical testing. Allele origin: germline.

Labcorp Genetics (formerly Invitae), Labcorp
Classification: Uncertain significance for Cohen syndrome. Last evaluated: 2021-11-01. Review status: criteria provided, single submitter. Criteria: Invitae Variant Classification Sherloc (09022015). Collection method: clinical testing. Allele origin: germline.
Comment: This sequence change replaces lysine, which is basic and polar, with asparagine, which is neutral and polar, at codon 2194 of the VPS13B protein (p.Lys2194Asn). This variant is not present in population databases (gnomAD no frequency). This variant has not been reported in the literature in individuals affected with VPS13B-related conditions. Algorithms developed to predict the effect of missense changes on protein structure and function are either unavailable or do not agree on the potential impact of this missense change (SIFT: "Not Available"; PolyPhen-2: "Benign"; Align-GVGD: "Not Available"). In summary, the available evidence is currently insufficient to determine the role of this variant in disease. Therefore, it has been classified as a Variant of Uncertain Significance.